The following is an entry in ClinVar:

NM_000254.3(MTR):c.1986G>T (p.Gln662His)

Gene: MTR (5-methyltetrahydrofolate-homocysteine methyltransferase; plus strand). Cytogenetic location: 1q43.
Variant type: single nucleotide variant.
Coding change: c.1986G>T on transcript NM_000254.3 (MANE Select); coding-DNA position 1986, G replaced by T.
Protein change: p.Gln662His; replaces glutamine 662 with histidine.
Molecular consequence: missense variant.
Genome position (GRCh38, 1-based): chr1:236,859,865, G>T. VCF-style: chr1-236859865-G-T. GRCh37 (hg19) VCF-style: chr1-237023165-G-T.
Other names: c.1986G>T, p.Gln662His (NM_001291939.1); c.765G>T, p.Gln255His (NM_001291940.2); short protein forms Q255H, Q662H.
Identifiers: ClinVar variation 1512794 (VCV001512794.8), dbSNP rs1664418343, ClinGen allele CA345376292.

ClinVar aggregate classification (germline): Uncertain significance (1 of 4 stars; one submission).

Conditions:
Methylcobalamin deficiency type cblG (HMAG). Also called: HOMOCYSTINURIA-MEGALOBLASTIC ANEMIA, cblG COMPLEMENTATION TYPE; HOMOCYSTINURIA-MEGALOBLASTIC ANEMIA DUE TO DEFECT IN COBALAMIN METABOLISM, cblG COMPLEMENTATION TYPE; Functional methionine synthase deficiency type cblG; HOMOCYSTINURIA-MEGALOBLASTIC ANEMIA, cblG TYPE. Identifiers: Orphanet 2170, Orphanet 622, MedGen C1855128, MONDO:0009609, OMIM 250940.

Allele frequency attached by ClinVar (database versions not stated): gnomAD exomes below 0.00001.
gnomAD v4.1: 1 of 1,614,018 alleles (0.000062%); highest among the groups gnomAD compares: South Asian, 0.0011%; no homozygotes.

Submission:

Labcorp Genetics (formerly Invitae), Labcorp
Classification: Uncertain significance for Methylcobalamin deficiency type cblG. Last evaluated: 2021-02-25. Review status: criteria provided, single submitter. Criteria: Invitae Variant Classification Sherloc (09022015). Collection method: clinical testing. Allele origin: germline.
Comment: Algorithms developed to predict the effect of missense changes on protein structure and function are either unavailable or do not agree on the potential impact of this missense change (SIFT: "Deleterious"; PolyPhen-2: "Benign"; Align-GVGD: "Class C0"). This sequence change replaces glutamine with histidine at codon 662 of the MTR protein (p.Gln662His). The glutamine residue is moderately conserved and there is a small physicochemical difference between glutamine and histidine. This variant is not present in population databases (ExAC no frequency). This variant has not been reported in the literature in individuals with MTR-related conditions. In summary, the available evidence is currently insufficient to determine the role of this variant in disease. Therefore, it has been classified as a Variant of Uncertain Significance.